The following is an entry in ClinVar:

ClinVar aggregate classification (germline): Uncertain significance (1 of 4 stars; one submission).

Conditions:
Combined oxidative phosphorylation defect type 14. Also called: Combined oxidative phosphorylation deficiency 14. Identifiers: Orphanet 319519, MedGen C4755312, MONDO:0013986, OMIM 614946.

gnomAD v4.1: 2 of 1,614,238 alleles (0.00012%); highest among the groups gnomAD compares: Admixed American, 0.0033%; no homozygotes.

Submission:

Labcorp Genetics (formerly Invitae), Labcorp
Classification: Uncertain significance for Combined oxidative phosphorylation defect type 14. Last evaluated: 2024-07-23. Review status: criteria provided, single submitter. Criteria: Invitae Variant Classification Sherloc (09022015). Collection method: clinical testing. Allele origin: germline.
Comment: This sequence change replaces glutamine, which is neutral and polar, with lysine, which is basic and polar, at codon 438 of the FARS2 protein (p.Gln438Lys). This variant is present in population databases (no rsID available, gnomAD 0.003%). This variant has not been reported in the literature in individuals affected with FARS2-related conditions. ClinVar contains an entry for this variant (Variation ID: 1930888). Advanced modeling of protein sequence and biophysical properties (such as structural, functional, and spatial information, amino acid conservation, physicochemical variation, residue mobility, and thermodynamic stability) performed at Invitae indicates that this missense variant is not expected to disrupt FARS2 protein function with a negative predictive value of 80%. In summary, the available evidence is currently insufficient to determine the role of this variant in disease. Therefore, it has been classified as a Variant of Uncertain Significance.

NM_006567.5(FARS2):c.1312C>A (p.Gln438Lys)

Gene: FARS2 (phenylalanyl-tRNA synthetase 2, mitochondrial; plus strand). Cytogenetic location: 6p25.1.
Variant type: single nucleotide variant.
Coding change: c.1312C>A on transcript NM_006567.5 (MANE Select); coding-DNA position 1312, C replaced by A.
Protein change: p.Gln438Lys; replaces glutamine 438 with lysine.
Molecular consequence: missense variant.
Genome position (GRCh38, 1-based): chr6:5,771,385, C>A. VCF-style: chr6-5771385-C-A. GRCh37 (hg19) VCF-style: chr6-5771618-C-A.
Other names: c.1312C>A, p.Gln438Lys (NM_001374879.1, NM_001375257.1, NM_001318872.2 and 4 more transcripts); c.1180C>A, p.Gln394Lys (NM_001375258.1); c.616C>A, p.Gln206Lys (NM_001375259.1, NM_001375260.1); short protein forms Q394K, Q206K, Q438K.
Identifiers: ClinVar variation 1930888 (VCV001930888.4), dbSNP rs1477908693, ClinGen allele CA362737549.